The following is an entry in ClinVar:

NM_199242.3(UNC13D):c.*64C>T

Gene: UNC13D (unc-13 homolog D; minus strand). Cytogenetic location: 17q25.1.
Variant type: single nucleotide variant.
Coding change: c.*64C>T on transcript NM_199242.3 (MANE Select); 64 bases downstream of the stop codon, C replaced by T.
Molecular consequence: 3 prime UTR variant.
Genome position (GRCh38, 1-based): chr17:75,827,901, G>A on the plus strand (C>T on the coding strand, the complement: UNC13D is on the minus strand). VCF-style: chr17-75827901-G-A. GRCh37 (hg19) VCF-style: chr17-73823982-G-A.
Identifiers: ClinVar variation 325239 (VCV000325239.7), dbSNP rs113904350, ClinGen allele CA10640570.
Genomic context (GRCh38, chr17:75,827,901, plus strand): 5'-GCTGGGGCTCCCCAAGTGTTAGGCCAGGCTGGAGGGCCGCGATGTGGCGGGGAAGCCCCA[G>A]ACCCTACAGGAAAGCCCTTGCAAGTCCCCACCGGGGACCCAGCCCCACCGCAAACCTCTA-3'

ClinVar aggregate classification (germline): Likely benign. Review status: criteria provided, multiple submitters, no conflicts (2 of 4 stars). 3 submissions from 3 submitters: Likely benign (3). Last evaluated 2018-06-11.

Conditions:
Familial hemophagocytic lymphohistiocytosis 3 (FHL3). Also called: UNC13D-Related Familial Hemophagocytic Lymphohistiocytosis (UNC13D-fHLH). Identifiers: Orphanet 540, MedGen C1837174, MONDO:0012146, OMIM 608898.

Allele frequency attached by ClinVar (database versions not stated): gnomAD 0.00786 and 0.00793; 1000 Genomes Project 30x 0.00812; TOPMed 0.00851; gnomAD exomes 0.00569; 1000 Genomes Project 0.00779.

Submissions (3):

Blueprint Genetics
Classification: Likely benign. Last evaluated: 2018-06-11. Review status: criteria provided, single submitter. Criteria: ACMG Guidelines, 2015. Collection method: clinical testing. Allele origin: germline.

Illumina Laboratory Services, Illumina
Classification: Likely benign for Familial hemophagocytic lymphohistiocytosis 3. Last evaluated: 2018-01-13. Review status: criteria provided, single submitter. Criteria: ICSL Variant Classification Criteria 13 December 2019. Collection method: clinical testing. Allele origin: germline.
Comment: This variant was observed in the ICSL laboratory as part of a predisposition screen in an ostensibly healthy population. It had not been previously curated by ICSL or reported in the Human Gene Mutation Database (HGMD: prior to June 1st, 2018), and was therefore a candidate for classification through an automated scoring system. Utilizing variant allele frequency, disease prevalence and penetrance estimates, and inheritance mode, an automated score was calculated to assess if this variant is too frequent to cause the disease. Based on the score and internal cut-off values, a variant classified as likely benign is not then subjected to further curation. The score for this variant resulted in a classification of likely benign for this disease.

Breakthrough Genomics
Classification: Likely benign. Review status: criteria provided, single submitter. Criteria: ACMG Guidelines, 2015. Collection method: not provided. Allele origin: germline. Inheritance: Autosomal recessive inheritance. Affected: yes.